The following is an entry in ClinVar:

NM_004408.4(DNM1):c.2582C>A (p.Pro861His)

Gene: DNM1 (dynamin 1; plus strand). Cytogenetic location: 9q34.11.
Variant type: single nucleotide variant.
Coding change: c.2582C>A on transcript NM_004408.4 (MANE Select); coding-DNA position 2582, C replaced by A.
Protein change: p.Pro861His; replaces proline 861 with histidine.
Molecular consequence: missense variant. On other transcripts: 3 prime UTR variant (3).
Genome position (GRCh38, 1-based): chr9:128,254,701, C>A. VCF-style: chr9-128254701-C-A. GRCh37 (hg19) VCF-style: chr9-131016980-C-A.
Other names: c.2582C>A (NM_004408.3); c.*63C>A (NM_001005336.3, NM_001288737.2); c.*708C>A (NM_001288738.2); c.2582C>A, p.Pro861His (NM_001288739.2); short protein forms P861H.
Identifiers: ClinVar variation 590032 (VCV000590032.16), dbSNP rs187315526, ClinGen allele CA5258499.
Genomic context (GRCh38, chr9:128,254,701, plus strand): 5'-CTCCAACTGCCAGCCGATCGGGTCAGGCAAGTCCATCCCGTCCTGAGAGCCCCAGGCCCC[C>A]CTTCGACCTCTAAACAGATCCCTCCTCTTCTCGGAGACCTCCCTTTCCAAGCCTGCCTGG-3'
Protein context (NP_004399.2, residues 851-864): SPSRPESPRP[Pro861His]FDL

ClinVar aggregate classification (germline): Conflicting classifications of pathogenicity. Review status: criteria provided, conflicting classifications (1 of 4 stars). 3 submissions from 3 submitters: Uncertain significance (1); Likely benign (1). 1 of the submissions does not count toward it. Last evaluated 2024-09-24.

Conditions:
DNM1-related disorder. Also called: DNM1-related condition.
Developmental and epileptic encephalopathy, 31A. Also called: Epileptic encephalopathy, early infantile, 31; Developmental and epileptic encephalopathy, 31. Identifiers: Orphanet 2382, MedGen C4225357, MONDO:0014598, OMIM 616346.
Inborn genetic diseases. Identifiers: MedGen C0950123, MeSH D030342.

Allele frequency attached by ClinVar (database versions not stated): 1000 Genomes Project 0.00040; 1000 Genomes Project 30x 0.00047; TOPMed 0.00013; gnomAD 0.00022.
gnomAD v4.1: 65 of 1,596,328 alleles (0.0041%); highest among the groups gnomAD compares: East Asian, 0.098%; no homozygotes.

Submissions (3):

Labcorp Genetics (formerly Invitae), Labcorp
Classification: Likely benign for Developmental and epileptic encephalopathy, 31A. Last evaluated: 2024-09-24. Review status: criteria provided, single submitter. Criteria: Invitae Variant Classification Sherloc (09022015). Collection method: clinical testing. Allele origin: germline.

Ambry Genetics
Classification: Uncertain significance for Inborn genetic diseases. Last evaluated: 2017-01-26. Review status: criteria provided, single submitter. Criteria: Ambry Variant Classification Scheme 2023. Collection method: clinical testing. Allele origin: germline.
Comment: The p.P861H variant (also known as c.2582C>A), located in coding exon 22 of the DNM1 gene, results from a C to A substitution at nucleotide position 2582. The proline at codon 861 is replaced by histidine, an amino acid with similar properties. This amino acid position is highly conserved in available vertebrate species. In addition, the in silico prediction for this alteration is inconclusive. Since supporting evidence is limited at this time, the clinical significance of this alteration remains unclear.

PreventionGenetics, part of Exact Sciences
Classification: Likely benign for DNM1-related condition. Last evaluated: 2020-03-12. Review status: no assertion criteria provided. Collection method: clinical testing. Allele origin: germline. Not counted in ClinVar's aggregate classification.
Comment: This variant is classified as likely benign based on ACMG/AMP sequence variant interpretation guidelines (Richards et al. 2015 PMID: 25741868, with internal and published modifications).